The following is an entry in ClinVar:

NM_015910.7(WDPCP):c.1227C>A (p.Ser409=)

Gene: WDPCP (WD repeat containing planar cell polarity effector; minus strand). Cytogenetic location: 2p15.
Variant type: single nucleotide variant.
Coding change: c.1227C>A on transcript NM_015910.7 (MANE Select); coding-DNA position 1227, C replaced by A.
Protein change: p.Ser409=; no amino-acid change (serine 409 retained).
Molecular consequence: synonymous variant. On other transcripts: non-coding transcript variant (3).
Genome position (GRCh38, 1-based): chr2:63,404,256, G>T on the plus strand (C>A on the coding strand, the complement: WDPCP is on the minus strand). VCF-style: chr2-63404256-G-T. GRCh37 (hg19) VCF-style: chr2-63631391-G-T.
Other names: c.1227C>A (NM_015910.5); c.750C>A, p.Ser250= (NM_001042692.3); c.1155C>A, p.Ser385= (NM_001354044.2); c.1227C>A, p.Ser409= (NM_001354045.2).
Identifiers: ClinVar variation 2722987 (VCV002722987.4), dbSNP rs1358121754, ClinGen allele CA426420814.

ClinVar aggregate classification (germline): Likely benign. Review status: criteria provided, single submitter (1 of 4 stars). 2 submissions from 2 submitters: Likely benign (1). 1 of the submissions does not count toward it. Last evaluated 2023-06-30.

Conditions:
WDPCP-related disorder. Also called: WDPCP-related condition.
Bardet-Biedl syndrome (BBS). Identifiers: Orphanet 110, MedGen C0752166, MONDO:0015229.

Allele frequency attached by ClinVar (database versions not stated): TOPMed 0.00001.
gnomAD v4.1: 12 of 1,613,880 alleles (0.00074%); highest among the groups gnomAD compares: Non-Finnish European, 0.001%; no homozygotes.

Submissions (2):

Labcorp Genetics (formerly Invitae), Labcorp
Classification: Likely benign for Bardet-Biedl syndrome. Last evaluated: 2023-06-30. Review status: criteria provided, single submitter. Criteria: Invitae Variant Classification Sherloc (09022015). Collection method: clinical testing. Allele origin: germline.

PreventionGenetics, part of Exact Sciences
Classification: Likely benign for WDPCP-related condition. Last evaluated: 2022-07-25. Review status: no assertion criteria provided. Collection method: clinical testing. Allele origin: germline. Not counted in ClinVar's aggregate classification.
Comment: This variant is classified as likely benign based on ACMG/AMP sequence variant interpretation guidelines (Richards et al. 2015 PMID: 25741868, with internal and published modifications).